The following is an entry in ClinVar:

NM_173494.2(DNAAF6):c.340A>T (p.Ile114Phe)

Gene: DNAAF6 (dynein axonemal assembly factor 6; plus strand). Cytogenetic location: Xq22.3.
Variant type: single nucleotide variant.
Coding change: c.340A>T on transcript NM_173494.2 (MANE Select); coding-DNA position 340, A replaced by T.
Protein change: p.Ile114Phe; replaces isoleucine 114 with phenylalanine.
Molecular consequence: missense variant.
Genome position (GRCh38, 1-based): chrX:107,222,752, A>T. VCF-style: chrX-107222752-A-T. GRCh37 (hg19) VCF-style: chrX-106465982-A-T.
Other names: c.340A>T, p.Ile114Phe (NM_001169154.2); short protein forms I114F.
Identifiers: ClinVar variation 4012534 (VCV004012534.2).

ClinVar aggregate classification (germline): Uncertain significance. Review status: criteria provided, multiple submitters, no conflicts (2 of 4 stars). 2 submissions from 2 submitters: Uncertain significance (2). Last evaluated 2025-08-27.

Conditions:
Inborn genetic diseases. Identifiers: MedGen C0950123, MeSH D030342.

Submissions (2):

Labcorp Genetics (formerly Invitae), Labcorp
Classification: Uncertain significance. Last evaluated: 2025-08-27. Review status: criteria provided, single submitter. Criteria: Invitae Variant Classification Sherloc (09022015). Collection method: clinical testing. Allele origin: germline.
Comment: This sequence change replaces isoleucine, which is neutral and non-polar, with phenylalanine, which is neutral and non-polar, at codon 114 of the PIH1D3 protein (p.Ile114Phe). This variant is not present in population databases (gnomAD no frequency). This variant has not been reported in the literature in individuals affected with PIH1D3-related conditions. ClinVar contains an entry for this variant (Variation ID: 4012534). An algorithm developed to predict the effect of missense changes on protein structure and function (PolyPhen-2) suggests that this variant is likely to be disruptive. In summary, the available evidence is currently insufficient to determine the role of this variant in disease. Therefore, it has been classified as a Variant of Uncertain Significance.

Ambry Genetics
Classification: Uncertain significance for Inborn genetic diseases. Last evaluated: 2025-05-21. Review status: criteria provided, single submitter. Criteria: Ambry Variant Classification Scheme 2023. Collection method: clinical testing. Allele origin: germline.